The following is an entry in ClinVar:

ClinVar aggregate classification (germline): Conflicting classifications of pathogenicity. Review status: criteria provided, conflicting classifications (1 of 4 stars). 2 submissions from 2 submitters: Uncertain significance (1); Likely benign (1). Last evaluated 2023-03-23.

Conditions:
Hereditary cancer-predisposing syndrome. Also called: Neoplastic Syndromes, Hereditary; Tumor predisposition; Hereditary Cancer Syndrome; Hereditary neoplastic syndrome. Identifiers: Orphanet 140162, MedGen C0027672, MeSH D009386, MONDO:0015356.

Submissions (2):

University of Washington Department of Laboratory Medicine, University of Washington
Classification: Likely benign for Hereditary cancer-predisposing syndrome. Last evaluated: 2023-03-23. Review status: criteria provided, single submitter. Criteria: Dines et al. (Genet Med. 2020). Collection method: curation. Allele origin: germline.
Comment: Missense variant in a coldspot region where missense variants are very unlikely to be pathogenic (PMID:31911673).

BRCA2 exon 10 coldspot. Reclassification based on statistical prior probability.

Color Diagnostics, LLC DBA Color Health
Classification: Uncertain significance for Hereditary cancer-predisposing syndrome. Last evaluated: 2019-11-26. Review status: criteria provided, single submitter. Criteria: ACMG Guidelines, 2015. Collection method: clinical testing. Allele origin: germline.
Comment: This missense variant replaces isoleucine with serine at codon 383 of the BRCA2 protein. Computational prediction suggests that this variant may not impact protein structure and function (internally defined REVEL score threshold <= 0.5, PMID: 27666373). Splice site prediction tools suggest that this variant may not impact RNA splicing. To our knowledge, functional studies have not been performed for this variant. This variant has not been reported in individuals affected with hereditary cancer in the literature. This variant has not been identified in the general population by the Genome Aggregation Database (gnomAD). The available evidence is insufficient to determine the role of this variant in disease conclusively. Therefore, this variant is classified as a Variant of Uncertain Significance.

NM_000059.4(BRCA2):c.1148T>G (p.Ile383Ser)

Gene: BRCA2 (BRCA2 DNA repair associated; plus strand). Cytogenetic location: 13q13.1.
Variant type: single nucleotide variant.
Coding change: c.1148T>G on transcript NM_000059.4 (MANE Select); coding-DNA position 1148, T replaced by G.
Protein change: p.Ile383Ser; replaces isoleucine 383 with serine.
Molecular consequence: missense variant.
Genome position (GRCh38, 1-based): chr13:32,332,626, T>G. VCF-style: chr13-32332626-T-G. GRCh37 (hg19) VCF-style: chr13-32906763-T-G.
Other names: short protein forms I383S.
Identifiers: ClinVar variation 925722 (VCV000925722.5), dbSNP rs2072405281, ClinGen allele CA387761854.